The following is an entry in ClinVar:

NM_001136191.3(KANK2):c.1780C>T (p.Leu594Phe)

Gene: KANK2 (KN motif and ankyrin repeat domains 2; minus strand). Cytogenetic location: 19p13.2.
Variant type: single nucleotide variant.
Coding change: c.1780C>T on transcript NM_001136191.3 (MANE Select); coding-DNA position 1780, C replaced by T.
Protein change: p.Leu594Phe; replaces leucine 594 with phenylalanine.
Molecular consequence: missense variant.
Genome position (GRCh38, 1-based): chr19:11,175,970, G>A on the plus strand (C>T on the coding strand, the complement: KANK2 is on the minus strand). VCF-style: chr19-11175970-G-A. GRCh37 (hg19) VCF-style: chr19-11286646-G-A.
Other names: c.1780C>T, p.Leu594Phe (NM_001329451.2, NM_001379555.1, NM_001379556.1 and 7 more transcripts); c.1804C>T, p.Leu602Phe (NM_001379548.1, NM_001379549.1, NM_001379550.1 and 5 more transcripts); c.1804C>T (NM_015493.6); short protein forms L594F, L602F.
Identifiers: ClinVar variation 1912494 (VCV001912494.6), dbSNP rs200345643, ClinGen allele CA9205524.

ClinVar aggregate classification (germline): Uncertain significance. Review status: criteria provided, multiple submitters, no conflicts (2 of 4 stars). 2 submissions from 2 submitters: Uncertain significance (2). Last evaluated 2024-10-12.

Allele frequency attached by ClinVar (database versions not stated): 1000 Genomes Project 30x 0.00016; 1000 Genomes Project 0.00020.
gnomAD v4.1: 15 of 1,613,758 alleles (0.00093%); highest among the groups gnomAD compares: Admixed American, 0.015%; no homozygotes.

Submissions (2):

Ambry Genetics
Classification: Uncertain significance. Last evaluated: 2024-10-12. Review status: criteria provided, single submitter. Criteria: Ambry Variant Classification Scheme 2023. Collection method: clinical testing. Allele origin: germline.

Labcorp Genetics (formerly Invitae), Labcorp
Classification: Uncertain significance. Last evaluated: 2023-08-04. Review status: criteria provided, single submitter. Criteria: Invitae Variant Classification Sherloc (09022015). Collection method: clinical testing. Allele origin: germline.
Comment: In summary, the available evidence is currently insufficient to determine the role of this variant in disease. Therefore, it has been classified as a Variant of Uncertain Significance. An algorithm developed to predict the effect of missense changes on protein structure and function (PolyPhen-2) suggests that this variant is likely to be disruptive. ClinVar contains an entry for this variant (Variation ID: 1912494). This variant has not been reported in the literature in individuals affected with KANK2-related conditions. This variant is present in population databases (rs200345643, gnomAD no frequency). This sequence change replaces leucine, which is neutral and non-polar, with phenylalanine, which is neutral and non-polar, at codon 594 of the KANK2 protein (p.Leu594Phe).